The following is an entry in ClinVar:

ClinVar aggregate classification (germline): Uncertain significance (1 of 4 stars; one submission).

Allele frequency attached by ClinVar (database versions not stated): ExAC 0.00001; gnomAD exomes 0.00001 and 0.00002; gnomAD 0.00004; TOPMed 0.00006.
gnomAD v4.1: 15 of 1,608,136 alleles (0.00093%); highest among the groups gnomAD compares: African/African-American, 0.017%; no homozygotes.

Submission:

Labcorp Genetics (formerly Invitae), Labcorp
Classification: Uncertain significance. Last evaluated: 2021-12-12. Review status: criteria provided, single submitter. Criteria: Invitae Variant Classification Sherloc (09022015). Collection method: clinical testing. Allele origin: germline.
Comment: This sequence change replaces glutamic acid, which is acidic and polar, with lysine, which is basic and polar, at codon 1239 of the CEP250 protein (p.Glu1239Lys). This variant is present in population databases (rs762565763, gnomAD 0.02%). This variant has not been reported in the literature in individuals affected with CEP250-related conditions. Algorithms developed to predict the effect of missense changes on protein structure and function are either unavailable or do not agree on the potential impact of this missense change (SIFT: "Not Available"; PolyPhen-2: "Probably Damaging"; Align-GVGD: "Not Available"). In summary, the available evidence is currently insufficient to determine the role of this variant in disease. Therefore, it has been classified as a Variant of Uncertain Significance.

NM_007186.6(CEP250):c.3715G>A (p.Glu1239Lys)

Gene: CEP250 (centrosomal protein 250; plus strand). Cytogenetic location: 20q11.22.
Variant type: single nucleotide variant.
Coding change: c.3715G>A on transcript NM_007186.6 (MANE Select); coding-DNA position 3715, G replaced by A.
Protein change: p.Glu1239Lys; replaces glutamic acid 1239 with lysine.
Molecular consequence: missense variant.
Genome position (GRCh38, 1-based): chr20:35,498,654, G>A. VCF-style: chr20-35498654-G-A. GRCh37 (hg19) VCF-style: chr20-34086483-G-A.
Other names: c.1819G>A, p.Glu607Lys (NM_001318219.1); short protein forms E1239K, E607K.
Identifiers: ClinVar variation 1521518 (VCV001521518.3), dbSNP rs762565763, ClinGen allele CA9833544.